The following is an entry in ClinVar:

NM_018706.7(DHTKD1):c.1049A>G (p.Asn350Ser)

Gene: DHTKD1 (dehydrogenase E1 and transketolase domain containing 1; plus strand). Cytogenetic location: 10p14.
Variant type: single nucleotide variant.
Coding change: c.1049A>G on transcript NM_018706.7 (MANE Select); coding-DNA position 1049, A replaced by G.
Protein change: p.Asn350Ser; replaces asparagine 350 with serine.
Molecular consequence: missense variant.
Genome position (GRCh38, 1-based): chr10:12,091,574, A>G. VCF-style: chr10-12091574-A-G. GRCh37 (hg19) VCF-style: chr10-12133573-A-G.
Other names: short protein forms N350S.
Identifiers: ClinVar variation 3675582 (VCV003675582.2).

ClinVar aggregate classification (germline): Uncertain significance (1 of 4 stars; one submission).

Conditions:
2-aminoadipic 2-oxoadipic aciduria (AAKAD). Also called: Aminoadipic aciduria; ALPHA-AMINOADIPIC AND ALPHA-KETOADIPIC ACIDURIA. Identifiers: Orphanet 79154, MedGen C1859817, MONDO:0008774, OMIM 204750.

gnomAD v4.1: 4 of 1,613,262 alleles (0.00025%); highest among the groups gnomAD compares: South Asian, 0.0022%; no homozygotes.

Submission:

Labcorp Genetics (formerly Invitae), Labcorp
Classification: Uncertain significance for 2-aminoadipic 2-oxoadipic aciduria. Last evaluated: 2024-06-11. Review status: criteria provided, single submitter. Criteria: Invitae Variant Classification Sherloc (09022015). Collection method: clinical testing. Allele origin: germline.
Comment: This sequence change replaces asparagine, which is neutral and polar, with serine, which is neutral and polar, at codon 350 of the DHTKD1 protein (p.Asn350Ser). This variant is present in population databases (rs767835382, gnomAD 0.003%). This variant has not been reported in the literature in individuals affected with DHTKD1-related conditions. Advanced modeling of protein sequence and biophysical properties (such as structural, functional, and spatial information, amino acid conservation, physicochemical variation, residue mobility, and thermodynamic stability) performed at Invitae indicates that this missense variant is not expected to disrupt DHTKD1 protein function with a negative predictive value of 80%. In summary, the available evidence is currently insufficient to determine the role of this variant in disease. Therefore, it has been classified as a Variant of Uncertain Significance.